The following is an entry in ClinVar:

ClinVar aggregate classification (germline): Uncertain significance (1 of 4 stars; one submission).

Submission:

GeneDx
Classification: Uncertain significance. Last evaluated: 2025-01-10. Review status: criteria provided, single submitter. Criteria: GeneDx Variant Classification Process June 2021. Collection method: clinical testing. Allele origin: germline. Affected: yes.
Comment: Not observed at significant frequency in large population cohorts (gnomAD); In silico analysis supports that this missense variant has a deleterious effect on protein structure/function; Has not been previously published as pathogenic or benign to our knowledge; Not located in one of the three hot-spot regions of the RYR2 gene, where the majority of pathogenic missense variants occur (PMID: 19926015); This variant is associated with the following publications: (PMID: 19926015)

NM_001035.3(RYR2):c.2257G>T (p.Asp753Tyr)

Gene: RYR2 (ryanodine receptor 2; plus strand). Cytogenetic location: 1q43.
Variant type: single nucleotide variant.
Coding change: c.2257G>T on transcript NM_001035.3 (MANE Select); coding-DNA position 2257, G replaced by T.
Protein change: p.Asp753Tyr; replaces aspartic acid 753 with tyrosine.
Molecular consequence: missense variant.
Genome position (GRCh38, 1-based): chr1:237,500,764, G>T. VCF-style: chr1-237500764-G-T. GRCh37 (hg19) VCF-style: chr1-237664064-G-T.
Other names: short protein forms D753Y.
Identifiers: ClinVar variation 4057116 (VCV004057116.1).
Genomic context (GRCh38, chr1:237,500,764, plus strand): 5'-CCAATAGGTTGTATTGCTCGTACTGTAAGCTCACCAAACCAACATCTGTTAAGAACTGAT[G>T]ATGTCATCAGTTGCTGTTTAGATCTGAGTGCCCCAAGCATCTCGTTCCGAATTAATGGAC-3'
Protein context (NP_001026.2, residues 743-763): SPNQHLLRTD[Asp753Tyr]VISCCLDLSA